The following is an entry in ClinVar:

NM_023110.3(FGFR1):c.454G>C (p.Ala152Pro)

Gene: FGFR1 (fibroblast growth factor receptor 1; minus strand). Cytogenetic location: 8p11.23.
Variant type: single nucleotide variant.
Coding change: c.454G>C on transcript NM_023110.3 (MANE Select); coding-DNA position 454, G replaced by C.
Protein change: p.Ala152Pro; replaces alanine 152 with proline.
Molecular consequence: missense variant.
Genome position (GRCh38, 1-based): chr8:38,428,088, C>G on the plus strand (G>C on the coding strand, the complement: FGFR1 is on the minus strand). VCF-style: chr8-38428088-C-G. GRCh37 (hg19) VCF-style: chr8-38285606-C-G.
Other names: c.454G>C, p.Ala152Pro (NM_001174063.2); c.430G>C, p.Ala144Pro (NM_001174064.2); c.448G>C, p.Ala150Pro (NM_001174065.2, NM_001354367.2, NM_001354369.2 and 1 more transcripts); c.187G>C, p.Ala63Pro (NM_001174066.2, NM_023105.3); c.547G>C, p.Ala183Pro (NM_001174067.2); c.181G>C, p.Ala61Pro (NM_001354368.2, NM_001354370.2, NM_023106.3); short protein forms A144P, A150P, A152P, A183P, A61P, A63P.
Identifiers: ClinVar variation 1002920 (VCV001002920.5), dbSNP rs1033377277, ClinGen allele CA370735876.

ClinVar aggregate classification (germline): Uncertain significance (1 of 4 stars; one submission).

Conditions:
Pfeiffer syndrome (ACS5). Also called: ACS V. Identifiers: Orphanet 710, MedGen C0220658, MONDO:0007043, OMIM 101600.
Hypogonadotropic hypogonadism 2 with or without anosmia (HH2). Also called: HYPOGONADOTROPIC HYPOGONADISM 2 WITH OR WITHOUT ANOSMIA, SUSCEPTIBILITY TO; HYPOGONADOTROPIC HYPOGONADISM 2 WITHOUT ANOSMIA, SUSCEPTIBILITY TO; HYPOGONADOTROPIC HYPOGONADISM 2 WITHOUT ANOSMIA; FGFR1-Related GnRH Deficiency (Kallmann Syndrome 2). Identifiers: Orphanet 478, MedGen C1563720, MONDO:0007844, OMIM 147950. Disease mechanism: loss of function.

Submission:

Labcorp Genetics (formerly Invitae), Labcorp
Classification: Uncertain significance for Pfeiffer syndrome; Hypogonadotropic hypogonadism 2 with or without anosmia. Last evaluated: 2020-02-14. Review status: criteria provided, single submitter. Criteria: Invitae Variant Classification Sherloc (09022015). Collection method: clinical testing. Allele origin: germline.
Comment: This variant is not present in population databases (ExAC no frequency). This variant has not been reported in the literature in individuals with FGFR1-related conditions. Algorithms developed to predict the effect of missense changes on protein structure and function (SIFT, PolyPhen-2, Align-GVGD) all suggest that this variant is likely to be tolerated, but these predictions have not been confirmed by published functional studies and their clinical significance is uncertain. In summary, the available evidence is currently insufficient to determine the role of this variant in disease. Therefore, it has been classified as a Variant of Uncertain Significance. This sequence change replaces alanine with proline at codon 152 of the FGFR1 protein (p.Ala152Pro). The alanine residue is highly conserved and there is a small physicochemical difference between alanine and proline.